The following is an entry in ClinVar:

ClinVar aggregate classification (germline): Uncertain significance. Review status: criteria provided, multiple submitters, no conflicts (2 of 4 stars). 3 submissions from 3 submitters: Uncertain significance (2). 1 of the submissions does not count toward it. Last evaluated 2022-07-12.

Conditions:
3-methylcrotonyl-CoA carboxylase 2 deficiency. Also called: 3 alpha methylcrotonyl-CoA carboxylase 2 deficiency; 3 alpha methylcrotonylglycinuria 2; MCC 2 deficiency; Methylcrotonylglycinuria type 2; METHYLCROTONYLGLYCINURIA, TYPE II. Identifiers: Orphanet 6, MedGen C1859499, MONDO:0008862, OMIM 210210.

Allele frequency attached by ClinVar (database versions not stated): TOPMed 0.00006.
gnomAD v4.1: 129 of 1,614,074 alleles (0.008%); highest among the groups gnomAD compares: Non-Finnish European, 0.0096%; no homozygotes.

Submissions (3):

Labcorp Genetics (formerly Invitae), Labcorp
Classification: Uncertain significance for 3-methylcrotonyl-CoA carboxylase 2 deficiency. Last evaluated: 2022-07-12. Review status: criteria provided, single submitter. Criteria: Invitae Variant Classification Sherloc (09022015). Collection method: clinical testing. Allele origin: germline.
Comment: This sequence change replaces glutamic acid, which is acidic and polar, with alanine, which is neutral and non-polar, at codon 412 of the MCCC2 protein (p.Glu412Ala). This variant is present in population databases (rs371587906, gnomAD 0.007%). This variant has not been reported in the literature in individuals affected with MCCC2-related conditions. ClinVar contains an entry for this variant (Variation ID: 581728). Advanced modeling of protein sequence and biophysical properties (such as structural, functional, and spatial information, amino acid conservation, physicochemical variation, residue mobility, and thermodynamic stability) performed at Invitae indicates that this missense variant is not expected to disrupt MCCC2 protein function. In summary, the available evidence is currently insufficient to determine the role of this variant in disease. Therefore, it has been classified as a Variant of Uncertain Significance.

Illumina Laboratory Services, Illumina
Classification: Uncertain significance for 3-methylcrotonyl-CoA carboxylase 2 deficiency. Last evaluated: 2018-01-13. Review status: criteria provided, single submitter. Criteria: ICSL Variant Classification Criteria 13 December 2019. Collection method: clinical testing. Allele origin: germline.

Natera, Inc.
Classification: Uncertain significance for 3-methylcrotonyl-CoA carboxylase 2 deficiency. Last evaluated: 2020-07-29. Review status: no assertion criteria provided. Collection method: clinical testing. Allele origin: germline. Not counted in ClinVar's aggregate classification.

NM_022132.5(MCCC2):c.1235A>C (p.Glu412Ala)

Gene: MCCC2 (methylcrotonyl-CoA carboxylase subunit 2; plus strand). Cytogenetic location: 5q13.2.
Variant type: single nucleotide variant.
Coding change: c.1235A>C on transcript NM_022132.5 (MANE Select); coding-DNA position 1235, A replaced by C.
Protein change: p.Glu412Ala; replaces glutamic acid 412 with alanine.
Molecular consequence: missense variant.
Genome position (GRCh38, 1-based): chr5:71,649,115, A>C. VCF-style: chr5-71649115-A-C. GRCh37 (hg19) VCF-style: chr5-70944942-A-C.
Other names: c.1121A>C, p.Glu374Ala (NM_001363147.1); short protein forms E412A, E374A.
Identifiers: ClinVar variation 581728 (VCV000581728.11), dbSNP rs371587906, ClinGen allele CA3298090.